The following is an entry in ClinVar:

NM_144666.3(DNHD1):c.2958C>T (p.Ser986=)

Gene: DNHD1 (dynein heavy chain domain 1; plus strand). Cytogenetic location: 11p15.4.
Variant type: single nucleotide variant.
Coding change: c.2958C>T on transcript NM_144666.3 (MANE Select); coding-DNA position 2958, C replaced by T.
Protein change: p.Ser986=; no amino-acid change (serine 986 retained).
Molecular consequence: synonymous variant.
Genome position (GRCh38, 1-based): chr11:6,534,133, C>T. VCF-style: chr11-6534133-C-T. GRCh37 (hg19) VCF-style: chr11-6555363-C-T.
Identifiers: ClinVar variation 3042736 (VCV003042736.2), dbSNP rs555478816, ClinGen allele CA5855840.
Genomic context (GRCh38, chr11:6,534,133, plus strand): 5'-TCAGAGGAGTACTGAGCACCAGCTCGTCTCCCTAGAGCGTCAGTTCCAGAACACAGTCAG[C>T]GACCTCAGTGAACTGCACCACGCCTATGCCATCTTCACTGGTACTGAGGATCCCTGCACC-3'
Protein context (NP_653267.2, residues 976-996): SLERQFQNTV[Ser986=]DLSELHHAYA

ClinVar aggregate classification (germline): Likely benign (0 of 4 stars; one submission).

Conditions:
DNHD1-related disorder. Also called: DNHD1-related condition.

Allele frequency attached by ClinVar (database versions not stated): gnomAD 0.00004; gnomAD exomes 0.00005; TOPMed 0.00005; ExAC 0.00010.
gnomAD v4.1: 85 of 1,551,244 alleles (0.0055%); highest among the groups gnomAD compares: Middle Eastern, 0.55%; 1 homozygote.

Submission:

PreventionGenetics, part of Exact Sciences
Classification: Likely benign for DNHD1-related condition. Last evaluated: 2019-07-01. Review status: no assertion criteria provided. Collection method: clinical testing. Allele origin: germline.
Comment: This variant is classified as likely benign based on ACMG/AMP sequence variant interpretation guidelines (Richards et al. 2015 PMID: 25741868, with internal and published modifications).